The following is an entry in ClinVar:

NM_001297.5(CNGB1):c.2948A>G (p.Tyr983Cys)

Gene: CNGB1 (cyclic nucleotide gated channel subunit beta 1; minus strand). Cytogenetic location: 16q21.
Variant type: single nucleotide variant.
Coding change: c.2948A>G on transcript NM_001297.5 (MANE Select); coding-DNA position 2948, A replaced by G.
Protein change: p.Tyr983Cys; replaces tyrosine 983 with cysteine.
Molecular consequence: missense variant.
Genome position (GRCh38, 1-based): chr16:57,901,380, T>C on the plus strand (A>G on the coding strand, the complement: CNGB1 is on the minus strand). VCF-style: chr16-57901380-T-C. GRCh37 (hg19) VCF-style: chr16-57935284-T-C.
Other names: c.2930A>G, p.Tyr977Cys (NM_001286130.2); short protein forms Y977C, Y983C.
Identifiers: ClinVar variation 1516612 (VCV001516612.8), dbSNP rs750517469, ClinGen allele CA396055607.

ClinVar aggregate classification (germline): Uncertain significance (1 of 4 stars; one submission).

Submission:

Labcorp Genetics (formerly Invitae), Labcorp
Classification: Uncertain significance. Last evaluated: 2021-06-09. Review status: criteria provided, single submitter. Criteria: Invitae Variant Classification Sherloc (09022015). Collection method: clinical testing. Allele origin: germline.
Comment: In summary, the available evidence is currently insufficient to determine the role of this variant in disease. Therefore, it has been classified as a Variant of Uncertain Significance. Algorithms developed to predict the effect of missense changes on protein structure and function (SIFT, PolyPhen-2, Align-GVGD) all suggest that this variant is likely to be disruptive, but these predictions have not been confirmed by published functional studies and their clinical significance is uncertain. This variant has not been reported in the literature in individuals with CNGB1-related conditions. This variant is not present in population databases (ExAC no frequency). This sequence change replaces tyrosine with cysteine at codon 983 of the CNGB1 protein (p.Tyr983Cys). The tyrosine residue is highly conserved and there is a large physicochemical difference between tyrosine and cysteine.